The following is an entry in ClinVar:

ClinVar aggregate classification (germline): Benign. Review status: criteria provided, multiple submitters, no conflicts (2 of 4 stars). 2 submissions from 2 submitters: Benign (2). Last evaluated 2021-07-10.

Conditions:
Ehlers-Danlos syndrome, dermatosparaxis type. Also called: Dermatosparaxis; EDS VIIC; Ehlers-Danlos syndrome, type VII, autosomal recessive. Identifiers: Orphanet 1901, MedGen C2700425, MONDO:0009161, OMIM 225410.

Allele frequency attached by ClinVar (database versions not stated): gnomAD exomes 0.11642; gnomAD 0.13423 and 0.13529; TOPMed 0.14050; 1000 Genomes Project 30x 0.15756; 1000 Genomes Project 0.16014.
gnomAD v4.1: 100,704 of 837,812 alleles (12%); highest among the groups gnomAD compares: Middle Eastern, 21%; 6,899 homozygotes.

Submissions (2):

Genome-Nilou Lab
Classification: Benign for Ehlers-Danlos syndrome, dermatosparaxis type. Last evaluated: 2021-07-10. Review status: criteria provided, single submitter. Criteria: ACMG Guidelines, 2015. Collection method: clinical testing. Allele origin: germline. Affected: no.

GeneDx
Classification: Benign. Last evaluated: 2018-06-14. Review status: criteria provided, single submitter. Criteria: GeneDx Variant Classification (06012015). Collection method: clinical testing. Allele origin: germline. Affected: yes.
Comment: This variant is considered likely benign or benign based on one or more of the following criteria: it is a conservative change, it occurs at a poorly conserved position in the protein, it is predicted to be benign by multiple in silico algorithms, and/or has population frequency not consistent with disease.

NM_014244.5(ADAMTS2):c.1516-138A>G

Gene: ADAMTS2 (ADAM metallopeptidase with thrombospondin type 1 motif 2; minus strand). Cytogenetic location: 5q35.3.
Variant type: single nucleotide variant.
Coding change: c.1516-138A>G on transcript NM_014244.5 (MANE Select); 138 bases into the intron before coding-DNA position 1516, A replaced by G.
Molecular consequence: intron variant.
Genome position (GRCh38, 1-based): chr5:179,152,393, T>C on the plus strand (A>G on the coding strand, the complement: ADAMTS2 is on the minus strand). VCF-style: chr5-179152393-T-C. GRCh37 (hg19) VCF-style: chr5-178579394-T-C.
Other names: c.1516-138A>G (NM_021599.4).
Identifiers: ClinVar variation 674619 (VCV000674619.4), dbSNP rs11746123, ClinGen allele CA11991803.
Genomic context (GRCh38, chr5:179,152,393, plus strand): 5'-TGGAACCTGAGATGCCCCAGTGGGACTGGCCCATGATGGGCCCGTGAGGCTGGTGGGTGT[T>C]GTGATTCTGGGGTGGTGAAGACCTTGCCCATACGGTGTGGAGGCTGCAGCATCCCTGGAC-3'